The following is an entry in ClinVar:

ClinVar aggregate classification (germline): Likely benign. Review status: criteria provided, multiple submitters, no conflicts (2 of 4 stars). 2 submissions from 2 submitters: Likely benign (2). Last evaluated 2022-09-01.

Conditions:
FMN2-related disorder. Also called: FMN2-related condition.

Submissions (2):

CeGaT Center for Human Genetics Tuebingen
Classification: Likely benign. Last evaluated: 2022-09-01. Review status: criteria provided, single submitter. Criteria: CeGaT Center For Human Genetics Tuebingen Variant Classification Criteria Version 2. Collection method: clinical testing. Allele origin: germline. Affected: yes. Observed: 1 variant allele.
Comment: FMN2: BP4, BP7, BS2

PreventionGenetics, part of Exact Sciences
Classification: Likely benign for FMN2-related condition. Last evaluated: 2021-11-10. Review status: criteria provided, single submitter. Criteria: ACMG Guidelines, 2015. Collection method: clinical testing. Allele origin: germline.
Comment: This variant is classified as likely benign based on ACMG/AMP sequence variant interpretation guidelines (Richards et al. 2015 PMID: 25741868, with internal and published modifications).

NM_020066.5(FMN2):c.2802G>T (p.Leu934=)

Gene: FMN2 (formin 2; plus strand). Cytogenetic location: 1q43.
Variant type: single nucleotide variant.
Coding change: c.2802G>T on transcript NM_020066.5 (MANE Select); coding-DNA position 2802, G replaced by T.
Protein change: p.Leu934=; no amino-acid change (leucine 934 retained).
Molecular consequence: synonymous variant. On other transcripts: intron variant (1).
Genome position (GRCh38, 1-based): chr1:240,207,614, G>T. VCF-style: chr1-240207614-G-T. GRCh37 (hg19) VCF-style: chr1-240370914-G-T.
Other names: c.2802G>T (NM_020066.4); c.2814G>T, p.Leu938= (NM_001305424.2); c.1986+19352G>T (NM_001348094.2).
Identifiers: ClinVar variation 2640137 (VCV002640137.25), dbSNP rs1165587141, ClinGen allele CA1476757.